The following is an entry in ClinVar:

ClinVar aggregate classification (germline): Uncertain significance. Review status: criteria provided, multiple submitters, no conflicts (2 of 4 stars). 3 submissions from 3 submitters: Uncertain significance (3). Last evaluated 2025-03-31.

Conditions:
Inborn genetic diseases. Identifiers: MedGen C0950123, MeSH D030342.
Donnai-Barrow syndrome. Also called: DBS/FOAR SYNDROME; FACIOOCULOACOUSTICORENAL SYNDROME. Identifiers: Orphanet 2143, MedGen C1857277, MONDO:0009104, OMIM 222448.

gnomAD v4.1: 2 of 1,614,090 alleles (0.00012%); highest among the groups gnomAD compares: Non-Finnish European, 0.00017%; no homozygotes.

Submissions (3):

Labcorp Genetics (formerly Invitae), Labcorp
Classification: Uncertain significance. Last evaluated: 2025-03-31. Review status: criteria provided, single submitter. Criteria: Invitae Variant Classification Sherloc (09022015). Collection method: clinical testing. Allele origin: germline.
Comment: This sequence change replaces proline, which is neutral and non-polar, with threonine, which is neutral and polar, at codon 1226 of the LRP2 protein (p.Pro1226Thr). This variant is not present in population databases (gnomAD no frequency). This variant has not been reported in the literature in individuals affected with LRP2-related conditions. ClinVar contains an entry for this variant (Variation ID: 1484266). Invitae Evidence Modeling of protein sequence and biophysical properties (such as structural, functional, and spatial information, amino acid conservation, physicochemical variation, residue mobility, and thermodynamic stability) indicates that this missense variant is expected to disrupt LRP2 protein function with a positive predictive value of 95%. In summary, the available evidence is currently insufficient to determine the role of this variant in disease. Therefore, it has been classified as a Variant of Uncertain Significance.

Ambry Genetics
Classification: Uncertain significance for Inborn genetic diseases. Last evaluated: 2024-10-08. Review status: criteria provided, single submitter. Criteria: Ambry Variant Classification Scheme 2023. Collection method: clinical testing. Allele origin: germline.

Fulgent Genetics
Classification: Uncertain significance for Donnai-Barrow syndrome. Last evaluated: 2021-07-06. Review status: criteria provided, single submitter. Criteria: ACMG Guidelines, 2015. Collection method: clinical testing. Allele origin: unknown.

NM_004525.3(LRP2):c.3676C>A (p.Pro1226Thr)

Gene: LRP2 (LDL receptor related protein 2; minus strand). Cytogenetic location: 2q31.1.
Variant type: single nucleotide variant.
Coding change: c.3676C>A on transcript NM_004525.3 (MANE Select); coding-DNA position 3676, C replaced by A.
Protein change: p.Pro1226Thr; replaces proline 1226 with threonine.
Molecular consequence: missense variant.
Genome position (GRCh38, 1-based): chr2:169,241,357, G>T on the plus strand (C>A on the coding strand, the complement: LRP2 is on the minus strand). VCF-style: chr2-169241357-G-T. GRCh37 (hg19) VCF-style: chr2-170097867-G-T.
Other names: c.3676C>A (NM_004525.2); short protein forms P1226T.
Identifiers: ClinVar variation 1484266 (VCV001484266.6), dbSNP rs2105383842, ClinGen allele CA349148942.